The following is an entry in ClinVar:

ClinVar aggregate classification (germline): Uncertain significance (1 of 4 stars; one submission).

Conditions:
Hereditary breast ovarian cancer syndrome. Also called: BRCA1- and BRCA2-Associated Hereditary Breast and Ovarian Cancer; Breast and ovarian cancer; Hereditary breast and/or ovarian cancer syndrome; Hereditary breast and ovarian cancer; Hereditary breast and ovarian cancer syndrome (HBOC); Hereditary breast and ovarian cancer syndrome. Identifiers: Orphanet 145, MedGen C0677776, MeSH D061325, MONDO:0003582. Disease mechanism: loss of function.

Allele frequency attached by ClinVar (database versions not stated): gnomAD exomes below 0.00001.

Submission:

Labcorp Genetics (formerly Invitae), Labcorp
Classification: Uncertain significance for Hereditary breast ovarian cancer syndrome. Last evaluated: 2023-07-16. Review status: criteria provided, single submitter. Criteria: Invitae Variant Classification Sherloc (09022015). Collection method: clinical testing. Allele origin: germline.
Comment: Advanced modeling of protein sequence and biophysical properties (such as structural, functional, and spatial information, amino acid conservation, physicochemical variation, residue mobility, and thermodynamic stability) performed at Invitae indicates that this missense variant is not expected to disrupt BRCA1 protein function. In summary, the available evidence is currently insufficient to determine the role of this variant in disease. Therefore, it has been classified as a Variant of Uncertain Significance. This variant has not been reported in the literature in individuals affected with BRCA1-related conditions. This variant is present in population databases (no rsID available, gnomAD 0.006%). This sequence change replaces threonine, which is neutral and polar, with isoleucine, which is neutral and non-polar, at codon 1119 of the BRCA1 protein (p.Thr1119Ile).

NM_007294.4(BRCA1):c.3356C>T (p.Thr1119Ile)

Genes: BRCA1 (BRCA1 DNA repair associated; minus strand), LOC126862571 (BRD4-independent group 4 enhancer GRCh37_chr17:41243136-41244335; plus strand). Cytogenetic location: 17q21.31.
Variant type: single nucleotide variant.
Coding change: c.3356C>T on transcript NM_007294.4 (MANE Select); coding-DNA position 3356, C replaced by T.
Protein change: p.Thr1119Ile; replaces threonine 1119 with isoleucine.
Molecular consequence: missense variant. On other transcripts: intron variant (137).
Genome position (GRCh38, 1-based): chr17:43,092,175, G>A on the plus strand (C>T on the coding strand, the complement: BRCA1 is on the minus strand). VCF-style: chr17-43092175-G-A. GRCh37 (hg19) VCF-style: chr17-41244192-G-A.
Other names: c.3215C>T, p.Thr1072Ile (NM_001407736.1, NM_001407737.1, NM_001407738.1 and 29 more transcripts); c.3212C>T, p.Thr1071Ile (NM_001407740.1, NM_001407741.1, NM_001407742.1 and 20 more transcripts); c.3143C>T, p.Thr1048Ile (NM_001407853.1, NM_001407894.1, NM_001407895.1 and 9 more transcripts); c.3356C>T, p.Thr1119Ile (NM_001407854.1, NM_001407858.1, NM_001407859.1 and 30 more transcripts); c.3353C>T, p.Thr1118Ile (NM_001407860.1, NM_001407861.1, NM_001407587.1 and 22 more transcripts); c.3155C>T, p.Thr1052Ile (NM_001407862.1); c.3233C>T, p.Thr1078Ile (NM_001407863.1, NM_001407919.1, NM_001407937.1 and 19 more transcripts); c.3152C>T, p.Thr1051Ile (NM_001407874.1, NM_001407875.1); and 41 more; short protein forms T1030I, T1052I, T1071I, T1077I, T1092I, T1119I, T823I, T991I.
Identifiers: ClinVar variation 2743875 (VCV002743875.3), dbSNP rs863224759, ClinGen allele CA10595264.
Genomic context (GRCh38, chr17:43,092,175, plus strand): 5'-CTTCCCATAGGCTGTTCTAAGTTATCTGAAATCAGATATGGAGAGAAATCTGTATTAACA[G>A]TCTGAACTACTTCTTCATATTCTTGCTTTTTTATTTCAGGATGCTTACAATTACTTCCAG-3'
Protein context (NP_009225.1, residues 1109-1129): KKQEYEEVVQ[Thr1119Ile]VNTDFSPYLI